The following is an entry in ClinVar:

ClinVar aggregate classification (germline): Uncertain significance. Review status: criteria provided, multiple submitters, no conflicts (2 of 4 stars). 5 submissions from 5 submitters: Uncertain significance (5). Last evaluated 2025-05-05.

Conditions:
Inborn genetic diseases. Identifiers: MedGen C0950123, MeSH D030342.
Epidermolysis bullosa simplex 5B, with muscular dystrophy (EBS5B). Also called: EPIDERMOLYSIS BULLOSA SIMPLEX AND LIMB-GIRDLE MUSCULAR DYSTROPHY; Epidermolysis bullosa simplex with muscular dystrophy. Identifiers: Orphanet 257, MedGen C2931072, MONDO:0009181, OMIM 226670.
Epidermolysis bullosa simplex, Ogna type (EBS5A). Also called: EPIDERMOLYSIS BULLOSA SIMPLEX 5A, OGNA TYPE; Pidermolysis bullosa simplex 5A, Ogna type. Identifiers: Orphanet 79401, MedGen C0432317, MONDO:0007555, OMIM 131950.
Epidermolysis bullosa simplex 5C, with pyloric atresia (EBS5C). Also called: PLEC1-Related Epidermolysis Bullosa with Pyloric Atresia; PLEC-Related Epidermolysis Bullosa with Pyloric Atresia; Epidermolysis bullosa simplex with pyloric atresia. Identifiers: Orphanet 158684, MedGen C2677349, MONDO:0012807, OMIM 612138.
Epidermolysis bullosa simplex with nail dystrophy (EBS5D). Identifiers: MedGen C4225309, MONDO:0014661, OMIM 616487.
Autosomal recessive limb-girdle muscular dystrophy type 2Q (LGMDR17). Also called: MUSCULAR DYSTROPHY, LIMB-GIRDLE, AUTOSOMAL RECESSIVE 17. Identifiers: Orphanet 254361, MedGen C3150989, MONDO:0013390, OMIM 613723.

Allele frequency attached by ClinVar (database versions not stated): ExAC 0.00006; gnomAD 0.00006; gnomAD exomes 0.00006; TOPMed 0.00015.
gnomAD v4.1: 66 of 1,605,456 alleles (0.0041%); highest among the groups gnomAD compares: African/African-American, 0.017%; 1 homozygote.

Submissions (5):

Mayo Clinic Laboratories, Mayo Clinic
Classification: Uncertain significance. Last evaluated: 2025-05-05. Review status: criteria provided, single submitter. Criteria: ACMG Guidelines, 2015. Collection method: clinical testing. Allele origin: germline. Observed: 1 variant allele.

Labcorp Genetics (formerly Invitae), Labcorp
Classification: Uncertain significance for Autosomal recessive limb-girdle muscular dystrophy type 2Q; Epidermolysis bullosa simplex, Ogna type; Epidermolysis bullosa simplex with nail dystrophy; Epidermolysis bullosa simplex 5C, with pyloric atresia; Epidermolysis bullosa simplex 5B, with muscular dystrophy. Last evaluated: 2024-05-22. Review status: criteria provided, single submitter. Criteria: Invitae Variant Classification Sherloc (09022015). Collection method: clinical testing. Allele origin: germline.
Comment: This sequence change replaces arginine, which is basic and polar, with histidine, which is basic and polar, at codon 4517 of the PLEC protein (p.Arg4517His). This variant is present in population databases (rs782151802, gnomAD 0.04%). This variant has not been reported in the literature in individuals affected with PLEC-related conditions. ClinVar contains an entry for this variant (Variation ID: 448052). Advanced modeling of protein sequence and biophysical properties (such as structural, functional, and spatial information, amino acid conservation, physicochemical variation, residue mobility, and thermodynamic stability) performed at Invitae indicates that this missense variant is not expected to disrupt PLEC protein function with a negative predictive value of 80%. In summary, the available evidence is currently insufficient to determine the role of this variant in disease. Therefore, it has been classified as a Variant of Uncertain Significance.

Athena Diagnostics
Classification: Uncertain significance. Last evaluated: 2024-03-15. Review status: criteria provided, single submitter. Criteria: Athena Diagnostics Criteria. Collection method: clinical testing. Allele origin: unknown.
Comment: Available data are insufficient to determine the clinical significance of the variant at this time. The frequency of this variant in the general population is uninformative in assessment of its pathogenicity. Computational tools disagree on the variant's effect on normal protein function.

Ambry Genetics
Classification: Uncertain significance for Inborn genetic diseases. Last evaluated: 2021-06-22. Review status: criteria provided, single submitter. Criteria: Ambry Variant Classification Scheme 2023. Collection method: clinical testing. Allele origin: germline.

Revvity Omics, Revvity
Classification: Uncertain significance. Last evaluated: 2020-08-05. Review status: criteria provided, single submitter. Criteria: ACMG Guidelines, 2015. Collection method: clinical testing. Allele origin: germline.

NM_201384.3(PLEC):c.13469G>A (p.Arg4490His)

Gene: PLEC (plectin; minus strand). Cytogenetic location: 8q24.3.
Variant type: single nucleotide variant.
Coding change: c.13469G>A on transcript NM_201384.3 (MANE Select); coding-DNA position 13469, G replaced by A.
Protein change: p.Arg4490His; replaces arginine 4490 with histidine.
Molecular consequence: missense variant.
Genome position (GRCh38, 1-based): chr8:143,916,352, C>T on the plus strand (G>A on the coding strand, the complement: PLEC is on the minus strand). VCF-style: chr8-143916352-C-T. GRCh37 (hg19) VCF-style: chr8-144990520-C-T.
Other names: c.13550G>A, p.Arg4517His (NM_000445.5); c.13427G>A, p.Arg4476His (NM_201378.4); c.13403G>A, p.Arg4468His (NM_201379.3); c.13880G>A, p.Arg4627His (NM_201380.4); c.13373G>A, p.Arg4458His (NM_201381.3); c.13469G>A, p.Arg4490His (NM_201382.4); c.13481G>A, p.Arg4494His (NM_201383.3); short protein forms R4458H, R4468H, R4476H, R4490H, R4494H, R4517H, R4627H.
Identifiers: ClinVar variation 448052 (VCV000448052.14), dbSNP rs782151802, ClinGen allele CA4923797.